The following is an entry in ClinVar:

NM_007220.4(CA5B):c.646G>A (p.Asp216Asn)

Genes: CA5B (carbonic anhydrase 5B; plus strand), CA5BP1-CA5B (CA5BP1-CA5B readthrough; plus strand). Cytogenetic location: Xp22.2.
Variant type: single nucleotide variant.
Coding change: c.646G>A on transcript NM_007220.4 (MANE Select); coding-DNA position 646, G replaced by A.
Protein change: p.Asp216Asn; replaces aspartic acid 216 with asparagine.
Molecular consequence: missense variant. On other transcripts: non-coding transcript variant (1).
Genome position (GRCh38, 1-based): chrX:15,776,741, G>A. VCF-style: chrX-15776741-G-A. GRCh37 (hg19) VCF-style: chrX-15794864-G-A.
Other names: short protein forms D216N.
Identifiers: ClinVar variation 4647398 (VCV004647398.1).

ClinVar aggregate classification (germline): Uncertain significance (1 of 4 stars; one submission).

Submission:

Ambry Genetics
Classification: Uncertain significance. Last evaluated: 2025-12-02. Review status: criteria provided, single submitter. Criteria: Ambry Variant Classification Scheme 2023. Collection method: clinical testing. Allele origin: germline.
Comment: The c.646G>A (p.D216N) alteration is located in exon 7 (coding exon 6) of the CA5B gene. This alteration results from a G to A substitution at nucleotide position 646, causing the aspartic acid (D) at amino acid position 216 to be replaced by an asparagine (N). Based on data from gnomAD, the A allele has an overall frequency of <0.001% (1/183052) total alleles studied. The highest observed frequency was 0.005% (1/19045) of South Asian alleles. Based on insufficient or conflicting evidence, the clinical significance of this alteration remains unclear.